The following is an entry in ClinVar:

ClinVar aggregate classification (germline): Uncertain significance (1 of 4 stars; one submission).

Conditions:
Episodic ataxia type 2 (EA2). Also called: ATAXIA, EPISODIC, WITH NYSTAGMUS; ATAXIA, FAMILIAL PAROXYSMAL; ACETAZOLAMIDE-RESPONSIVE HEREDITARY PAROXYSMAL CEREBELLAR ATAXIA; CEREBELLAR ATAXIA, PAROXYSMAL, ACETAZOLAMIDE-RESPONSIVE; CEREBELLOPATHY, HEREDITARY PAROXYSMAL; EPISODIC ATAXIA, NYSTAGMUS-ASSOCIATED. Identifiers: Orphanet 97, MedGen C1720416, MONDO:0007163, OMIM 108500.
Developmental and epileptic encephalopathy, 42 (DEE42A). Also called: Epileptic encephalopathy, early infantile, 42; DEVELOPMENTAL AND EPILEPTIC ENCEPHALOPATHY 42A; EPILEPTIC ENCEPHALOPATHY, EARLY INFANTILE, 42A. Identifiers: MedGen C4310716, MONDO:0014917, OMIM 617106.

Submission:

Labcorp Genetics (formerly Invitae), Labcorp
Classification: Uncertain significance for Developmental and epileptic encephalopathy, 42; Episodic ataxia type 2. Last evaluated: 2024-06-18. Review status: criteria provided, single submitter. Criteria: Invitae Variant Classification Sherloc (09022015). Collection method: clinical testing. Allele origin: germline.
Comment: This sequence change replaces asparagine, which is neutral and polar, with threonine, which is neutral and polar, at codon 2062 of the CACNA1A protein (p.Asn2062Thr). This variant is not present in population databases (gnomAD no frequency). This variant has not been reported in the literature in individuals affected with CACNA1A-related conditions. Advanced modeling of protein sequence and biophysical properties (such as structural, functional, and spatial information, amino acid conservation, physicochemical variation, residue mobility, and thermodynamic stability) performed at Invitae indicates that this missense variant is not expected to disrupt CACNA1A protein function with a negative predictive value of 95%. In summary, the available evidence is currently insufficient to determine the role of this variant in disease. Therefore, it has been classified as a Variant of Uncertain Significance.

NM_001127222.2(CACNA1A):c.6182A>C (p.Asn2061Thr)

Gene: CACNA1A (calcium voltage-gated channel subunit alpha1 A; minus strand). Cytogenetic location: 19p13.13.
Variant type: single nucleotide variant.
Coding change: c.6182A>C on transcript NM_001127222.2 (MANE Select); coding-DNA position 6182, A replaced by C.
Protein change: p.Asn2061Thr; replaces asparagine 2061 with threonine.
Molecular consequence: missense variant.
Genome position (GRCh38, 1-based): chr19:13,212,391, T>G on the plus strand (A>C on the coding strand, the complement: CACNA1A is on the minus strand). VCF-style: chr19-13212391-T-G. GRCh37 (hg19) VCF-style: chr19-13323205-T-G.
Other names: c.6200A>C, p.Asn2067Thr (NM_000068.4, NM_023035.3); c.6185A>C, p.Asn2062Thr (NM_001127221.2); c.6191A>C, p.Asn2064Thr (NM_001174080.2); short protein forms N2061T, N2062T, N2064T, N2067T.
Identifiers: ClinVar variation 3754145 (VCV003754145.2).
Genomic context (GRCh38, chr19:13,212,391, plus strand): 5'-ACCTGAACCACCCGGGCCCTGGGAGCCATTGGGGAGTTGGGGGACAGAGGCACCTGAGAG[T>G]TAGGCTGGCTGTTGGGCATGTCGGTAGGGGGGCCTTGTTCCGGACTCCATGTGCCCGTCT-3'
Protein context (NP_001120694.1, residues 2051-2071): PPTDMPNSQP[Asn2061Thr]SQSVEMREMG